The following is an entry in ClinVar:

NM_005502.4(ABCA1):c.6103G>A (p.Val2035Met)

Genes: ABCA1 (ATP binding cassette subfamily A member 1; minus strand), NIPSNAP3B (nipsnap homolog 3B; plus strand). Cytogenetic location: 9q31.1.
Variant type: single nucleotide variant.
Coding change: c.6103G>A on transcript NM_005502.4 (MANE Select); coding-DNA position 6103, G replaced by A.
Protein change: p.Val2035Met; replaces valine 2035 with methionine.
Molecular consequence: missense variant.
Genome position (GRCh38, 1-based): chr9:104,788,021, C>T on the plus strand (G>A on the coding strand, the complement: ABCA1 is on the minus strand). VCF-style: chr9-104788021-C-T. GRCh37 (hg19) VCF-style: chr9-107550302-C-T.
Other names: short protein forms V2035M.
Identifiers: ClinVar variation 1520064 (VCV001520064.8), dbSNP rs372790037, ClinGen allele CA5167629.

ClinVar aggregate classification (germline): Uncertain significance (1 of 4 stars; one submission).

Allele frequency attached by ClinVar (database versions not stated): ExAC 0.00001; gnomAD exomes 0.00001; ESP Exome Variant Server 0.00008.
gnomAD v4.1: 21 of 1,614,064 alleles (0.0013%); highest among the groups gnomAD compares: African/African-American, 0.0027%; no homozygotes.

Submission:

Labcorp Genetics (formerly Invitae), Labcorp
Classification: Uncertain significance. Last evaluated: 2021-05-07. Review status: criteria provided, single submitter. Criteria: Invitae Variant Classification Sherloc (09022015). Collection method: clinical testing. Allele origin: germline.
Comment: In summary, the available evidence is currently insufficient to determine the role of this variant in disease. Therefore, it has been classified as a Variant of Uncertain Significance. Advanced modeling of protein sequence and biophysical properties (such as structural, functional, and spatial information, amino acid conservation, physicochemical variation, residue mobility, and thermodynamic stability) performed at Invitae indicates that this missense variant is not expected to disrupt ABCA1 protein function. This variant has not been reported in the literature in individuals with ABCA1-related conditions. This variant is present in population databases (rs372790037, ExAC 0.01%). This sequence change replaces valine with methionine at codon 2035 of the ABCA1 protein (p.Val2035Met). The valine residue is moderately conserved and there is a small physicochemical difference between valine and methionine.